The following is an entry in ClinVar:

NM_021971.4(GMPPB):c.299C>T (p.Thr100Ile)

Gene: GMPPB (GDP-mannose pyrophosphorylase B; minus strand). Cytogenetic location: 3p21.31.
Variant type: single nucleotide variant.
Coding change: c.299C>T on transcript NM_021971.4 (MANE Select); coding-DNA position 299, C replaced by T.
Protein change: p.Thr100Ile; replaces threonine 100 with isoleucine.
Molecular consequence: missense variant.
Genome position (GRCh38, 1-based): chr3:49,723,075, G>A on the plus strand (C>T on the coding strand, the complement: GMPPB is on the minus strand). VCF-style: chr3-49723075-G-A. GRCh37 (hg19) VCF-style: chr3-49760508-G-A.
Other names: c.299C>T, p.Thr100Ile (NM_013334.4); short protein forms T100I.
Identifiers: ClinVar variation 952502 (VCV000952502.2), dbSNP rs1359728758, ClinGen allele CA352829831.

ClinVar aggregate classification (germline): Uncertain significance (1 of 4 stars; one submission).

Conditions:
Muscular dystrophy-dystroglycanopathy (congenital with brain and eye anomalies), type A14. Also called: WALKER-WARBURG SYNDROME OR MUSCLE-EYE-BRAIN DISEASE, GMPPB-RELATED; Congenital Muscular Dystrophy-Dystroglycanopathy with Brain and Eye Anomalies Type A 14; Congenital muscular dystrophy-dystroglycanopathy with brain and eye anomalies, type A14; Muscular dystrophy-dystroglycanopathy (congenital with brain and eye anomalies), type a, 14. Identifiers: Orphanet 588, MedGen C3809216, MONDO:0014140, OMIM 615350.
Muscular dystrophy-dystroglycanopathy (congenital with impaired intellectual development), type B, 14. Also called: Muscular dystrophy-dystroglycanopathy (congenital with intellectual disability), type B14; MUSCULAR DYSTROPHY, CONGENITAL, GMPPB-RELATED; Congenital muscular dystrophy-dystroglycanopathy with mental retardation, type B14. Identifiers: MedGen C3809221, MONDO:0014141, OMIM 615351.
Autosomal recessive limb-girdle muscular dystrophy type 2T. Also called: MUSCULAR DYSTROPHY-DYSTROGLYCANOPATHY, LIMB-GIRDLE, GMPPB-RELATED; Limb-girdle muscular dystrophy-dystroglycanopathy, type C14; MUSCULAR DYSTROPHY, LIMB-GIRDLE, TYPE 2T; Muscular dystrophy-dystroglycanopathy (limb-girdle), type c, 14. Identifiers: Orphanet 363623, MedGen C4518000, MONDO:0014142, OMIM 615352.

Allele frequency attached by ClinVar (database versions not stated): gnomAD exomes below 0.00001.

Submission:

Labcorp Genetics (formerly Invitae), Labcorp
Classification: Uncertain significance for Autosomal recessive limb-girdle muscular dystrophy type 2T; Muscular dystrophy-dystroglycanopathy (congenital with brain and eye anomalies), type A14; Muscular dystrophy-dystroglycanopathy (congenital with impaired intellectual development), type B, 14. Last evaluated: 2019-07-15. Review status: criteria provided, single submitter. Criteria: Invitae Variant Classification Sherloc (09022015). Collection method: clinical testing. Allele origin: germline.
Comment: This sequence change replaces threonine with isoleucine at codon 100 of the GMPPB protein (p.Thr100Ile). The threonine residue is weakly conserved and there is a moderate physicochemical difference between threonine and isoleucine. This variant is not present in population databases (ExAC no frequency). This variant has not been reported in the literature in individuals with GMPPB-related conditions. Algorithms developed to predict the effect of missense changes on protein structure and function (SIFT, PolyPhen-2, Align-GVGD) all suggest that this variant is likely to be tolerated, but these predictions have not been confirmed by published functional studies and their clinical significance is uncertain. In summary, the available evidence is currently insufficient to determine the role of this variant in disease. Therefore, it has been classified as a Variant of Uncertain Significance.